The following is an entry in ClinVar:

NM_001394560.1(ZMAT1):c.1520A>C (p.Gln507Pro)

Gene: ZMAT1 (zinc finger matrin-type 1; minus strand). Cytogenetic location: Xq22.1.
Variant type: single nucleotide variant.
Coding change: c.1520A>C on transcript NM_001394560.1 (MANE Select); coding-DNA position 1520, A replaced by C.
Protein change: p.Gln507Pro; replaces glutamine 507 with proline.
Molecular consequence: missense variant.
Genome position (GRCh38, 1-based): chrX:101,884,078, T>G on the plus strand (A>C on the coding strand, the complement: ZMAT1 is on the minus strand). VCF-style: chrX-101884078-T-G. GRCh37 (hg19) VCF-style: chrX-101139050-T-G.
Other names: c.1349A>C, p.Gln450Pro (NM_001011657.4); c.836A>C, p.Gln279Pro (NM_001282400.2, NM_001282401.2); short protein forms Q507P, Q450P, Q279P.
Identifiers: ClinVar variation 5032144 (VCV005032144.1).
Genomic context (GRCh38, chrX:101,884,078, plus strand): 5'-AAGCAATGAGGTAACTGGTTTTCCACTACTTGTGAAATACTATATGGTCCTGAATAGGTC[T>G]GGAAAGTCTCACATGGGAGCTTTTGCTCCAACATTCTATGTCTGGGTCTGACATCAACCA-3'
Protein context (NP_001381489.1, residues 497-517): LEQKLPCETF[Gln507Pro]TYSGPYSISQ

ClinVar aggregate classification (germline): Uncertain significance (1 of 4 stars; one submission).

gnomAD v4.1: 6 of 1,208,022 alleles (0.0005%); highest among the groups gnomAD compares: East Asian, 0.018%; no homozygotes.

Submission:

Ambry Genetics
Classification: Uncertain significance. Last evaluated: 2026-08-18. Review status: criteria provided, single submitter. Criteria: Ambry Variant Classification Scheme 2023. Collection method: clinical testing. Allele origin: germline.
Comment: The c.1349A>C (p.Q450P) alteration is located in exon 7 (coding exon 6) of the ZMAT1 gene. This alteration results from a A to C substitution at nucleotide position 1349, causing the glutamine (Q) at amino acid position 450 to be replaced by a proline (P). Based on data from gnomAD, the C allele has an overall frequency of 0.001% (2/180910) total alleles studied. The highest observed frequency was 0.014% (2/13846) of East Asian alleles. Based on insufficient or conflicting evidence, the clinical significance of this alteration remains unclear.